The following is an entry in ClinVar:

NM_004006.3(DMD):c.9229G>A (p.Glu3077Lys)

Gene: DMD (dystrophin; minus strand). Cytogenetic location: Xp21.2.
Variant type: single nucleotide variant.
Coding change: c.9229G>A on transcript NM_004006.3 (MANE Select); coding-DNA position 9229, G replaced by A.
Protein change: p.Glu3077Lys; replaces glutamic acid 3077 with lysine.
Molecular consequence: missense variant.
Genome position (GRCh38, 1-based): chrX:31,261,012, C>T on the plus strand (G>A on the coding strand, the complement: DMD is on the minus strand). VCF-style: chrX-31261012-C-T. GRCh37 (hg19) VCF-style: chrX-31279129-C-T.
Other names: c.9205G>A, p.Glu3069Lys (NM_000109.4); c.9217G>A, p.Glu3073Lys (NM_004009.3); c.8860G>A, p.Glu2954Lys (NM_004010.3); c.5206G>A, p.Glu1736Lys (NM_004011.4); c.5197G>A, p.Glu1733Lys (NM_004012.4); c.1849G>A, p.Glu617Lys (NM_004013.3, NM_004020.4, NM_004021.3 and 2 more transcripts); c.1042G>A, p.Glu348Lys (NM_004014.3); c.25G>A, p.Glu9Lys (NM_004015.3, NM_004016.3, NM_004017.3 and 2 more transcripts); short protein forms E1733K, E1736K, E3077K, E348K, E617K, E3069K, E3073K, E2954K.
Identifiers: ClinVar variation 2177123 (VCV002177123.3), dbSNP rs2147649555, ClinGen allele CA412652561.

ClinVar aggregate classification (germline): Uncertain significance (1 of 4 stars; one submission).

Conditions:
Duchenne muscular dystrophy (DMD). Also called: MUSCULAR DYSTROPHY, PSEUDOHYPERTROPHIC PROGRESSIVE, DUCHENNE TYPE; Duchenne Muscular Dystrophy (DMD). Identifiers: Orphanet 98896, MedGen C0013264, MONDO:0010679, OMIM 310200.

Allele frequency attached by ClinVar (database versions not stated): gnomAD exomes below 0.00001.
gnomAD v4.1: 2 of 1,209,514 alleles (0.00017%); highest among the groups gnomAD compares: Non-Finnish European, 0.00011%; no homozygotes.

Submissions (2):

Labcorp Genetics (formerly Invitae), Labcorp
Classification: Uncertain significance for Duchenne muscular dystrophy. Last evaluated: 2025-11-01. Review status: criteria provided, single submitter. Criteria: Invitae Variant Classification Sherloc (09022015). Collection method: clinical testing. Allele origin: germline.
Comment: This sequence change replaces glutamic acid, which is acidic and polar, with lysine, which is basic and polar, at codon 3077 of the DMD protein (p.Glu3077Lys). This variant is not present in population databases (gnomAD no frequency). This variant has not been reported in the literature in individuals affected with DMD-related conditions. ClinVar contains an entry for this variant (Variation ID: 2177123). Invitae Evidence Modeling of protein sequence and biophysical properties (such as structural, functional, and spatial information, amino acid conservation, physicochemical variation, residue mobility, and thermodynamic stability) indicates that this missense variant is not expected to disrupt DMD protein function with a negative predictive value of 95%. In summary, the available evidence is currently insufficient to determine the role of this variant in disease. Therefore, it has been classified as a Variant of Uncertain Significance.

Dr. Peter K. Rogan Lab, Western University
No classification provided (evidence only). Condition: Thyroid cancer, nonmedullary, 1. Review status: no classification provided. Collection method: in vitro. Allele origin: not applicable. Functional consequence: retained intron. Not counted in ClinVar's aggregate classification.